The following is an entry in ClinVar:

NM_005228.5(EGFR):c.2749G>C (p.Gly917Arg)

Gene: EGFR (epidermal growth factor receptor; plus strand). Cytogenetic location: 7p11.2.
Variant type: single nucleotide variant.
Coding change: c.2749G>C on transcript NM_005228.5 (MANE Select); coding-DNA position 2749, G replaced by C.
Protein change: p.Gly917Arg; replaces glycine 917 with arginine.
Molecular consequence: missense variant.
Genome position (GRCh38, 1-based): chr7:55,198,764, G>C. VCF-style: chr7-55198764-G-C. GRCh37 (hg19) VCF-style: chr7-55266457-G-C.
Other names: c.2614G>C, p.Gly872Arg (NM_001346897.2, NM_001346899.2); c.2749G>C, p.Gly917Arg (NM_001346898.2); c.2590G>C, p.Gly864Arg (NM_001346900.2); c.1948G>C, p.Gly650Arg (NM_001346941.2); short protein forms G650R, G872R, G917R, G864R.
Identifiers: ClinVar variation 2884939 (VCV002884939.4), dbSNP rs775695605, ClinGen allele CA367581274.

ClinVar aggregate classification (germline): Uncertain significance. Review status: criteria provided, multiple submitters, no conflicts (2 of 4 stars). 2 submissions from 2 submitters: Uncertain significance (2). Last evaluated 2024-12-16.

Conditions:
EGFR-related lung cancer (EGFR). Identifiers: MedGen CN130014.
Hereditary cancer-predisposing syndrome. Also called: Hereditary Cancer Syndrome; Hereditary neoplastic syndrome; Tumor predisposition; Neoplastic Syndromes, Hereditary. Identifiers: Orphanet 140162, MedGen C0027672, MeSH D009386, MONDO:0015356.

Submissions (2):

Ambry Genetics
Classification: Uncertain significance for Hereditary cancer-predisposing syndrome. Last evaluated: 2024-12-16. Review status: criteria provided, single submitter. Criteria: Ambry Variant Classification Scheme 2023. Collection method: clinical testing. Allele origin: germline.
Comment: The p.G917R variant (also known as c.2749G>C), located in coding exon 23 of the EGFR gene, results from a G to C substitution at nucleotide position 2749. The glycine at codon 917 is replaced by arginine, an amino acid with dissimilar properties. This amino acid position is well conserved in available vertebrate species. In addition, the in silico prediction for this alteration is inconclusive. Based on the available evidence, the clinical significance of this variant remains unclear.

Labcorp Genetics (formerly Invitae), Labcorp
Classification: Uncertain significance for EGFR-related lung cancer. Last evaluated: 2023-02-27. Review status: criteria provided, single submitter. Criteria: Invitae Variant Classification Sherloc (09022015). Collection method: clinical testing. Allele origin: germline.
Comment: Advanced modeling of protein sequence and biophysical properties (such as structural, functional, and spatial information, amino acid conservation, physicochemical variation, residue mobility, and thermodynamic stability) has been performed at Invitae for this missense variant, however the output from this modeling did not meet the statistical confidence thresholds required to predict the impact of this variant on EGFR protein function. This sequence change replaces glycine, which is neutral and non-polar, with arginine, which is basic and polar, at codon 917 of the EGFR protein (p.Gly917Arg). This variant is not present in population databases (gnomAD no frequency). This variant has not been reported in the literature in individuals affected with EGFR-related conditions. In summary, the available evidence is currently insufficient to determine the role of this variant in disease. Therefore, it has been classified as a Variant of Uncertain Significance.